The following is an entry in ClinVar:

ClinVar aggregate classification (germline): Conflicting classifications of pathogenicity. Review status: criteria provided, conflicting classifications (1 of 4 stars). 4 submissions from 4 submitters: Uncertain significance (2); Likely benign (2). Last evaluated 2025-11-20.

Conditions:
Autosomal recessive severe congenital neutropenia due to G6PC3 deficiency. Also called: NEUTROPENIA, SEVERE CONGENITAL, 4, AUTOSOMAL RECESSIVE; G6PC3 Deficiency. Identifiers: Orphanet 331176, MedGen C2751630, MONDO:0012930, OMIM 612541.

Allele frequency attached by ClinVar (database versions not stated): ExAC 0.00014; 1000 Genomes Project 30x 0.00031; ESP Exome Variant Server 0.00038; 1000 Genomes Project 0.00040; TOPMed 0.00050; gnomAD 0.00061.
gnomAD v4.1: 140 of 1,614,158 alleles (0.0087%); highest among the groups gnomAD compares: African/African-American, 0.16%; no homozygotes.

Submissions (5):

Labcorp Genetics (formerly Invitae), Labcorp
Classification: Likely benign for Autosomal recessive severe congenital neutropenia due to G6PC3 deficiency. Last evaluated: 2025-11-20. Review status: criteria provided, single submitter. Criteria: Invitae Variant Classification Sherloc (09022015). Collection method: clinical testing. Allele origin: germline.

Mayo Clinic Laboratories, Mayo Clinic
Classification: Uncertain significance. Last evaluated: 2025-05-07. Review status: criteria provided, single submitter. Criteria: ACMG Guidelines, 2015. Collection method: clinical testing. Allele origin: germline. Observed: 1 variant allele.
Comment: BS1

Blueprint Genetics
Classification: Likely benign. Last evaluated: 2024-09-11. Review status: criteria provided, single submitter. Criteria: ACMG Guidelines, 2015. Collection method: clinical testing. Allele origin: germline.

GeneDx
Classification: Uncertain significance. Last evaluated: 2022-05-11. Review status: criteria provided, single submitter. Criteria: GeneDx Variant Classification Process June 2021. Collection method: clinical testing. Allele origin: germline. Affected: yes.
Comment: Has not been previously published as pathogenic or benign to our knowledge; In silico analysis, which includes splice predictors and evolutionary conservation, suggests this variant may impact gene splicing. In the absence of RNA/functional studies, the actual effect of this sequence change is unknown.

Dr. Peter K. Rogan Lab, Western University
No classification provided (evidence only). Condition: Clear cell carcinoma of kidney. Review status: no classification provided. Collection method: in vitro. Allele origin: not applicable. Functional consequence: retained intron. Not counted in ClinVar's aggregate classification.

NM_138387.4(G6PC3):c.468G>A (p.Ala156=)

Gene: G6PC3 (glucose-6-phosphatase catalytic subunit 3; plus strand). Cytogenetic location: 17q21.31.
Variant type: single nucleotide variant.
Coding change: c.468G>A on transcript NM_138387.4 (MANE Select); coding-DNA position 468, G replaced by A.
Protein change: p.Ala156=; no amino-acid change (alanine 156 retained).
Molecular consequence: synonymous variant. On other transcripts: intron variant (1).
Genome position (GRCh38, 1-based): chr17:44,075,020, G>A. VCF-style: chr17-44075020-G-A. GRCh37 (hg19) VCF-style: chr17-42152388-G-A.
Other names: p.Ala156=; c.123G>A, p.Ala41= (NM_001384165.1, NM_001384166.1, NM_001384167.1 and 1 more transcripts); c.416+250G>A (NM_001319945.2).
Identifiers: ClinVar variation 738870 (VCV000738870.15), dbSNP rs141663645, ClinGen allele CA8596044.
Genomic context (GRCh38, chr17:44,075,020, plus strand): 5'-TCTTTCTAGCCGCTGGGTAAGGGTGATGCCTAGCCTGGCTTATTGCACCTTCCTTTTGGC[G>A]GTTGGCTTGTCGCGAATCTTCATCTTAGCACATTTCCCTCACCAGGTGCTGGCTGGCCTA-3'
Protein context (NP_612396.1, residues 146-166): PSLAYCTFLL[Ala156=]VGLSRIFILA